The following is an entry in ClinVar:

NM_000018.4(ACADVL):c.864del (p.Phe288fs)

Gene: ACADVL (acyl-CoA dehydrogenase very long chain; plus strand). Cytogenetic location: 17p13.1.
Variant type: Deletion.
Coding change: c.864del on transcript NM_000018.4 (MANE Select); coding-DNA position 864, one base deleted (C; older notation c.864delC).
Protein change: p.Phe288fs; shifts the reading frame from phenylalanine 288.
Molecular consequence: frameshift variant.
Genome position (GRCh38, 1-based): chr17:7,222,288, C deleted. VCF-style (leftmost placement, unchanged base first): chr17-7222287-TC-T. GRCh37 (hg19) VCF-style: chr17-7125606-TC-T.
Other names: NM_000018.4(ACADVL):c.864del; p.Phe288fs; c.798del, p.Phe266fs (NM_001033859.3); c.933del, p.Phe311fs (NM_001270447.2); c.636del, p.Phe212fs (NM_001270448.2); short protein forms F311fs, F212fs, F288fs, F266fs.
Identifiers: ClinVar variation 522433 (VCV000522433.2), dbSNP rs1555528386, ClinGen allele CA658798685.

ClinVar aggregate classification (germline): Likely pathogenic. Review status: reviewed by expert panel (3 of 4 stars). 2 submissions from 2 submitters: Likely pathogenic (1). 1 of the submissions does not count toward it. Last evaluated 2023-09-26.

Conditions:
Very long chain acyl-CoA dehydrogenase deficiency (ACADVLD). Also called: Very Long-Chain Acyl-Coenzyme A Dehydrogenase Deficiency; VLCAD Deficiency. Identifiers: Orphanet 26793, MedGen C3887523, MONDO:0008723, OMIM 201475.

Allele frequency attached by ClinVar (database versions not stated): gnomAD exomes below 0.00001.

Submissions (2):

ClinGen ACADVL Variant Curation Expert Panel, ClinGen
Classification: Likely pathogenic for Very long chain acyl-CoA dehydrogenase deficiency. Last evaluated: 2023-09-26. Review status: reviewed by expert panel. Criteria: clingen acadvl acmg specifications v1. Collection method: curation. Allele origin: germline. Inheritance: Autosomal recessive inheritance.
Comment: The NM_000018.4(ACADVL): c.864del (p.Phe288Leufs*65) variant in ACADVL is a frameshift variant predicted to cause a premature stop codon in biologically-relevant-exon 10 leading to nonsense mediated decay in a gene in which loss-of-function is an established disease mechanism (PVS1; PMIDs 9973285, 11590124). This variant is absent from gnomAD v2.1.1 (PM2_Supporting). In summary, this variant meets the criteria to be classified as likely pathogenic for autosomal recessive very long chain acyl-CoA dehydrogenase (VLCAD) deficiency based on the ACMG/AMP criteria applied, as specified by the ClinGen ACADVL Variant Curation Expert Panel: PVS1, PM2_Suporting (ACADVL VCEP specifications version 1; approved November 9, 2021).

Bioscientia Institut fuer Medizinische Diagnostik GmbH, Sonic Healthcare
Classification: Pathogenic for Very long chain acyl-CoA dehydrogenase deficiency. Last evaluated: 2017-09-18. Review status: no assertion criteria provided. Collection method: clinical testing. Allele origin: germline. Affected: yes. Not counted in ClinVar's aggregate classification.